The following is an entry in ClinVar:

NM_024747.6(HPS6):c.257_258del (p.Trp86fs)

Genes: HPS6 (HPS6 biogenesis of lysosomal organelles complex 2 subunit 3; plus strand), LOC130004578 (ATAC-STARR-seq lymphoblastoid silent region 2738; plus strand). Cytogenetic location: 10q24.32.
Variant type: Deletion.
Coding change: c.257_258del on transcript NM_024747.6 (MANE Select); coding-DNA positions 257 to 258, 2 bases deleted (GG; older notation c.257_258delGG).
Protein change: p.Trp86fs; shifts the reading frame from tryptophan 86.
Molecular consequence: frameshift variant.
Genome position (GRCh38, 1-based): chr10:102,065,731-102,065,732, GG deleted. VCF-style (leftmost placement, unchanged base first): chr10-102065730-TGG-T. GRCh37 (hg19) VCF-style: chr10-103825487-TGG-T.
Other names: short protein forms W86fs.
Identifiers: ClinVar variation 2860845 (VCV002860845.3), dbSNP rs2540986416, ClinGen allele CA2739275945.

ClinVar aggregate classification (germline): Pathogenic (1 of 4 stars; one submission).

Submission:

Labcorp Genetics (formerly Invitae), Labcorp
Classification: Pathogenic. Last evaluated: 2023-04-30. Review status: criteria provided, single submitter. Criteria: Invitae Variant Classification Sherloc (09022015). Collection method: clinical testing. Allele origin: germline.
Comment: For these reasons, this variant has been classified as Pathogenic. This variant disrupts a region of the HPS6 protein in which other variant(s) (p.Gln680*) have been determined to be pathogenic (PMID: 27225848). This suggests that this is a clinically significant region of the protein, and that variants that disrupt it are likely to be disease-causing. This variant has not been reported in the literature in individuals affected with HPS6-related conditions. This variant is not present in population databases (gnomAD no frequency). This sequence change creates a premature translational stop signal (p.Trp86Serfs*89) in the HPS6 gene. While this is not anticipated to result in nonsense mediated decay, it is expected to disrupt the last 690 amino acid(s) of the HPS6 protein.

Literature cited by the submitters: PubMed 27225848.